The following is an entry in ClinVar:

ClinVar aggregate classification (germline): Uncertain significance. Review status: criteria provided, multiple submitters, no conflicts (2 of 4 stars). 2 submissions from 2 submitters: Uncertain significance (2). Last evaluated 2025-12-17.

Conditions:
Inborn genetic diseases. Identifiers: MedGen C0950123, MeSH D030342.
Hereditary spastic paraplegia 11. Also called: Spastic paraplegia, mental retardation and thin corpus callosum; Spastic Paraplegia 11; Nakamura Osame syndrome; Autosomal recessive hereditary spastic paraplegia, mental impairment, and thin corpus callosum; SPASTIC PARAPLEGIA, AUTOSOMAL RECESSIVE, COMPLICATED, WITH THIN CORPUS CALLOSUM; SPASTIC PARAPLEGIA, AUTOSOMAL RECESSIVE, WITH MENTAL IMPAIRMENT AND THIN CORPUS CALLOSUM. Identifiers: Orphanet 2822, MedGen C1858479, MONDO:0011445, OMIM 604360.

Allele frequency attached by ClinVar (database versions not stated): TOPMed below 0.00001; gnomAD 0.00001; gnomAD exomes 0.00002 and 0.00004; ExAC 0.00004; 1000 Genomes Project 0.00020; 1000 Genomes Project 30x 0.00031.
gnomAD v4.1: 35 of 1,614,116 alleles (0.0022%); highest among the groups gnomAD compares: South Asian, 0.022%; no homozygotes.

Submissions (2):

Ambry Genetics
Classification: Uncertain significance for Inborn genetic diseases. Last evaluated: 2025-12-17. Review status: criteria provided, single submitter. Criteria: Ambry Variant Classification Scheme 2023. Collection method: clinical testing. Allele origin: germline.

Labcorp Genetics (formerly Invitae), Labcorp
Classification: Uncertain significance for Hereditary spastic paraplegia 11. Last evaluated: 2021-08-24. Review status: criteria provided, single submitter. Criteria: Invitae Variant Classification Sherloc (09022015). Collection method: clinical testing. Allele origin: germline.
Comment: This sequence change replaces aspartic acid with asparagine at codon 1440 of the SPG11 protein (p.Asp1440Asn). The aspartic acid residue is moderately conserved and there is a small physicochemical difference between aspartic acid and asparagine. This variant is present in population databases (rs569349723, ExAC 0.02%). This variant has not been reported in the literature in individuals affected with SPG11-related conditions. Algorithms developed to predict the effect of missense changes on protein structure and function output the following: SIFT: "Tolerated"; PolyPhen-2: "Probably Damaging"; Align-GVGD: "Class C0". The asparagine amino acid residue is found in multiple mammalian species, which suggests that this missense change does not adversely affect protein function. In summary, the available evidence is currently insufficient to determine the role of this variant in disease. Therefore, it has been classified as a Variant of Uncertain Significance.

NM_025137.4(SPG11):c.4318G>A (p.Asp1440Asn)

Genes: SPG11 (SPG11 vesicle trafficking associated, spatacsin; minus strand), LOC130056973 (ATAC-STARR-seq lymphoblastoid active region 9341; plus strand). Cytogenetic location: 15q21.1.
Variant type: single nucleotide variant.
Coding change: c.4318G>A on transcript NM_025137.4 (MANE Select); coding-DNA position 4318, G replaced by A.
Protein change: p.Asp1440Asn; replaces aspartic acid 1440 with asparagine.
Molecular consequence: missense variant.
Genome position (GRCh38, 1-based): chr15:44,596,199, C>T on the plus strand (G>A on the coding strand, the complement: SPG11 is on the minus strand). VCF-style: chr15-44596199-C-T. GRCh37 (hg19) VCF-style: chr15-44888397-C-T.
Other names: c.4318G>A, p.Asp1440Asn (NM_001160227.2); short protein forms D1440N.
Identifiers: ClinVar variation 642216 (VCV000642216.7), dbSNP rs569349723, ClinGen allele CA7534707.